The following is an entry in ClinVar:

ClinVar aggregate classification (germline): Uncertain significance (1 of 4 stars; one submission).

Submission:

CeGaT Center for Human Genetics Tuebingen
Classification: Uncertain significance. Last evaluated: 2025-10-01. Review status: criteria provided, single submitter. Criteria: CeGaT Center For Human Genetics Tuebingen Variant Classification Criteria Version 2. Collection method: clinical testing. Allele origin: germline. Affected: yes. Observed: 2 variant alleles.
Comment: WDR91: PM2, PM3

NM_014149.4(WDR91):c.1127del (p.Pro376fs)

Gene: WDR91 (WD repeat domain 91; minus strand). Cytogenetic location: 7q33.
Variant type: Deletion.
Coding change: c.1127del on transcript NM_014149.4 (MANE Select); coding-DNA position 1127, one base deleted (C; older notation c.1127delC).
Protein change: p.Pro376fs; shifts the reading frame from proline 376.
Molecular consequence: frameshift variant. On other transcripts: non-coding transcript variant (2).
Genome position (GRCh38, 1-based): chr7:135,196,261, G deleted on the plus strand (C on the coding strand, the reverse complement: WDR91 is on the minus strand); the first of 2 consecutive G bases (chr7:135,196,261-135,196,262); deleting either gives the same sequence. VCF-style (leftmost placement, unchanged base first): chr7-135196260-TG-T. GRCh37 (hg19) VCF-style: chr7-134881012-TG-T.
Other names: c.1127del, p.Pro376fs (NM_001362736.2, NM_001362737.2); c.398del, p.Pro133fs (NM_001362738.2); short protein forms P133fs, P376fs.
Identifiers: ClinVar variation 4534887 (VCV004534887.6).